The following is an entry in ClinVar:

ClinVar aggregate classification (germline): Uncertain significance. Review status: criteria provided, multiple submitters, no conflicts (2 of 4 stars). 4 submissions from 4 submitters: Uncertain significance (4). Last evaluated 2024-03-02.

Conditions:
Inborn genetic diseases. Identifiers: MedGen C0950123, MeSH D030342.

Allele frequency attached by ClinVar (database versions not stated): gnomAD exomes 0.00006 and 0.00008; gnomAD 0.00008 and 0.00009; TOPMed 0.00008; ExAC 0.00009; ESP Exome Variant Server 0.00015.
gnomAD v4.1: 128 of 1,604,922 alleles (0.008%); highest among the groups gnomAD compares: Middle Eastern, 0.036%; no homozygotes.

Submissions (4):

GeneDx
Classification: Uncertain significance. Last evaluated: 2024-03-02. Review status: criteria provided, single submitter. Criteria: GeneDx Variant Classification Process June 2021. Collection method: clinical testing. Allele origin: germline. Affected: yes.
Comment: Not observed at significant frequency in large population cohorts (gnomAD); In silico analysis supports that this missense variant has a deleterious effect on protein structure/function; Missense variant in a gene in which most reported pathogenic variants are truncating/loss of function; Has not been previously published as pathogenic or benign to our knowledge

Labcorp Genetics (formerly Invitae), Labcorp
Classification: Uncertain significance. Last evaluated: 2022-10-07. Review status: criteria provided, single submitter. Criteria: Invitae Variant Classification Sherloc (09022015). Collection method: clinical testing. Allele origin: germline.
Comment: This sequence change replaces leucine, which is neutral and non-polar, with serine, which is neutral and polar, at codon 3214 of the ASPM protein (p.Leu3214Ser). This variant is present in population databases (rs368682161, gnomAD 0.01%). This variant has not been reported in the literature in individuals affected with ASPM-related conditions. ClinVar contains an entry for this variant (Variation ID: 1523140). Algorithms developed to predict the effect of missense changes on protein structure and function are either unavailable or do not agree on the potential impact of this missense change (SIFT: "Deleterious"; PolyPhen-2: "Probably Damaging"; Align-GVGD: "Class C0"). In summary, the available evidence is currently insufficient to determine the role of this variant in disease. Therefore, it has been classified as a Variant of Uncertain Significance.

Ambry Genetics
Classification: Uncertain significance for Inborn genetic diseases. Last evaluated: 2021-03-19. Review status: criteria provided, single submitter. Criteria: Ambry Variant Classification Scheme 2023. Collection method: clinical testing. Allele origin: germline.
Comment: The c.9641T>C (p.L3214S) alteration is located in exon 24 (coding exon 24) of the ASPM gene. This alteration results from a T to C substitution at nucleotide position 9641, causing the leucine (L) at amino acid position 3214 to be replaced by a serine (S). The p.L3214S alteration is predicted to be tolerated by in silico analysis. Based on insufficient or conflicting evidence, the clinical significance of this alteration remains unclear.

Breakthrough Genomics
Classification: Uncertain significance. Review status: criteria provided, single submitter. Criteria: ACMG Guidelines, 2015. Collection method: not provided. Allele origin: germline. Inheritance: Autosomal recessive inheritance. Affected: yes.

NM_018136.5(ASPM):c.9641T>C (p.Leu3214Ser)

Gene: ASPM (assembly factor for spindle microtubules; minus strand). Cytogenetic location: 1q31.3.
Variant type: single nucleotide variant.
Coding change: c.9641T>C on transcript NM_018136.5 (MANE Select); coding-DNA position 9641, T replaced by C.
Protein change: p.Leu3214Ser; replaces leucine 3214 with serine.
Molecular consequence: missense variant.
Genome position (GRCh38, 1-based): chr1:197,090,384, A>G on the plus strand (T>C on the coding strand, the complement: ASPM is on the minus strand). VCF-style: chr1-197090384-A-G. GRCh37 (hg19) VCF-style: chr1-197059514-A-G.
Other names: c.4886T>C, p.Leu1629Ser (NM_001206846.2); c.9641T>C (NM_018136.4); short protein forms L1629S, L3214S.
Identifiers: ClinVar variation 1523140 (VCV001523140.8), dbSNP rs368682161, ClinGen allele CA1308889.
Genomic context (GRCh38, chr1:197,090,384, plus strand): 5'-AGTCGTATAGCTTTAATTTTTGTACAATCATTTTTCTTCCTCCAAGAATAGCCTCTCCAT[A>G]ATGCCTTAAAGAGATAAAACAGAGTAATTTTAAGATTATAGCCAATGTTTTCTATTTATA-3'
Protein context (NP_060606.3, residues 3204-3224): FTSGIIKIQA[Leu3214Ser]WRGYSWRKKN